The following is an entry in ClinVar:

ClinVar aggregate classification (germline): Likely benign. Review status: reviewed by expert panel (3 of 4 stars). 7 submissions from 7 submitters: Likely benign (1). 6 of the submissions do not count toward it. Last evaluated 2017-06-29.

Conditions:
Hereditary cancer-predisposing syndrome. Also called: Tumor predisposition; Hereditary neoplastic syndrome; Neoplastic Syndromes, Hereditary; Hereditary Cancer Syndrome. Identifiers: Orphanet 140162, MedGen C0027672, MeSH D009386, MONDO:0015356.
Hereditary breast ovarian cancer syndrome. Also called: Hereditary breast and ovarian cancer; BRCA1- and BRCA2-Associated Hereditary Breast and Ovarian Cancer; Hereditary breast and/or ovarian cancer syndrome; Hereditary breast and ovarian cancer syndrome; Hereditary breast and ovarian cancer syndrome (HBOC); Breast and ovarian cancer. Identifiers: Orphanet 145, MedGen C0677776, MeSH D061325, MONDO:0003582. Disease mechanism: loss of function.
Breast-ovarian cancer, familial, susceptibility to, 2 (BROVCA2). Also called: BRCA2 Hereditary Breast and Ovarian Cancer. Identifiers: Orphanet 145, MedGen C2675520, MONDO:0012933, OMIM 612555. Disease mechanism: loss of function.

Allele frequency attached by ClinVar (database versions not stated): gnomAD exomes 0.00001; TOPMed 0.00001; gnomAD 0.00002 and 0.00003; 1000 Genomes Project 30x 0.00016; 1000 Genomes Project 0.00020; ExAC 0.00001.

Submissions (7):

Evidence-based Network for the Interpretation of Germline Mutant Alleles (ENIGMA)
Classification: Likely benign for Breast-ovarian cancer, familial, susceptibility to, 2. Last evaluated: 2017-06-29. Review status: reviewed by expert panel. Criteria: ENIGMA BRCA1/2 Classification Criteria (2017-06-29). Collection method: curation. Allele origin: germline.
Comment: Synonymous substitution variant, with low bioinformatic likelihood to result in a splicing aberration (Splicing prior probability 0.02).

Labcorp Genetics (formerly Invitae), Labcorp
Classification: Likely benign for Hereditary breast ovarian cancer syndrome. Last evaluated: 2026-01-01. Review status: criteria provided, single submitter. Criteria: Invitae Variant Classification Sherloc (09022015). Collection method: clinical testing. Allele origin: germline. Not counted in ClinVar's aggregate classification.

Women's Health and Genetics/Laboratory Corporation of America, LabCorp
Classification: Likely benign. Last evaluated: 2019-08-21. Review status: criteria provided, single submitter. Criteria: LabCorp Variant Classification Summary - May 2015. Collection method: clinical testing. Allele origin: germline. Not counted in ClinVar's aggregate classification.

Color Diagnostics, LLC DBA Color Health
Classification: Likely benign for Hereditary cancer-predisposing syndrome. Last evaluated: 2018-07-24. Review status: criteria provided, single submitter. Criteria: ACMG Guidelines, 2015. Collection method: clinical testing. Allele origin: germline. Not counted in ClinVar's aggregate classification.

Ambry Genetics
Classification: Likely benign for Hereditary cancer-predisposing syndrome. Last evaluated: 2017-08-01. Review status: criteria provided, single submitter. Criteria: Ambry Variant Classification Scheme 2023. Collection method: clinical testing. Allele origin: germline. Not counted in ClinVar's aggregate classification.

Genome Diagnostics Laboratory, University Medical Center Utrecht
Classification: Likely benign for Breast-ovarian cancer, familial, susceptibility to, 2. Last evaluated: 2017-07-28. Review status: criteria provided, single submitter. Criteria: ACGS Guidelines, 2013. Collection method: clinical testing. Allele origin: germline. Affected: yes. Study: VKGL Data-share Consensus. Not counted in ClinVar's aggregate classification.

Clinical Genetics DNA and cytogenetics Diagnostics Lab, Erasmus MC, Erasmus Medical Center
Classification: Likely benign for Breast-ovarian cancer, familial, susceptibility to, 2. Last evaluated: 2015-09-21. Review status: criteria provided, single submitter. Criteria: ACGS Guidelines, 2013. Collection method: clinical testing. Allele origin: germline. Affected: yes. Study: VKGL Data-share Consensus. Not counted in ClinVar's aggregate classification.

NM_000059.4(BRCA2):c.6054T>C (p.Ser2018=)

Gene: BRCA2 (BRCA2 DNA repair associated; plus strand). Cytogenetic location: 13q13.1.
Variant type: single nucleotide variant.
Coding change: c.6054T>C on transcript NM_000059.4 (MANE Select); coding-DNA position 6054, T replaced by C.
Protein change: p.Ser2018=; no amino-acid change (serine 2018 retained).
Molecular consequence: synonymous variant.
Genome position (GRCh38, 1-based): chr13:32,340,409, T>C. VCF-style: chr13-32340409-T-C. GRCh37 (hg19) VCF-style: chr13-32914546-T-C.
Identifiers: ClinVar variation 220395 (VCV000220395.22), dbSNP rs540799830, ClinGen allele CA350693.